The following is an entry in ClinVar:

ClinVar aggregate classification (germline): Likely benign. Review status: criteria provided, multiple submitters, no conflicts (2 of 4 stars). 3 submissions from 3 submitters: Likely benign (2). 1 of the submissions does not count toward it. Last evaluated 2025-05-02.

Conditions:
Inborn genetic diseases. Identifiers: MedGen C0950123, MeSH D030342.
PKD1-related disorder. Also called: PKD1-related condition.

Allele frequency attached by ClinVar (database versions not stated): 1000 Genomes Project 30x 0.00109; TOPMed 0.00016; gnomAD 0.00023; 1000 Genomes Project 0.00100; ExAC 0.00008; gnomAD exomes 0.00034.
gnomAD v4.1: 472 of 1,448,200 alleles (0.033%); highest among the groups gnomAD compares: East Asian, 0.97%; 3 homozygotes.

Submissions (3):

Women's Health and Genetics/Laboratory Corporation of America, LabCorp
Classification: Likely benign. Last evaluated: 2025-05-02. Review status: criteria provided, single submitter. Criteria: LabCorp Variant Classification Summary - May 2015. Collection method: clinical testing. Allele origin: germline.
Comment: Variant summary: PKD1 c.242C>T (p.Ala81Val) results in a non-conservative amino acid change in the encoded protein sequence. Algorithms developed to predict the effect of missense changes on protein structure and function are either unavailable or do not agree on the potential impact of this missense change. The variant allele was found at a frequency of 0.00031 in 136362 control chromosomes, predominantly at a frequency of 0.0034 within the East Asian subpopulation in the gnomAD database, including 1 homozygote. The observed variant frequency within East Asian control individuals in the gnomAD database exceeds the estimated maximal expected allele frequency for a pathogenic variant in PKD1 causing PKD1-Biallelic Autosomal Recessive Polycystic Kidney Disease phenotype. To our knowledge, no experimental evidence demonstrating its impact on protein function has been reported. ClinVar contains an entry for this variant (Variation ID: 3057995). Based on the evidence outlined above, the variant was classified as likely benign.

Ambry Genetics
Classification: Likely benign for Inborn genetic diseases. Last evaluated: 2025-03-24. Review status: criteria provided, single submitter. Criteria: Ambry Variant Classification Scheme 2023. Collection method: clinical testing. Allele origin: germline.

PreventionGenetics, part of Exact Sciences
Classification: Likely benign for PKD1-related condition. Last evaluated: 2022-08-07. Review status: no assertion criteria provided. Collection method: clinical testing. Allele origin: germline. Not counted in ClinVar's aggregate classification.
Comment: This variant is classified as likely benign based on ACMG/AMP sequence variant interpretation guidelines (Richards et al. 2015 PMID: 25741868, with internal and published modifications).

NM_001009944.3(PKD1):c.242C>T (p.Ala81Val)

Gene: PKD1 (polycystin 1, transient receptor potential channel interacting; minus strand). Cytogenetic location: 16p13.3.
Variant type: single nucleotide variant.
Coding change: c.242C>T on transcript NM_001009944.3 (MANE Select); coding-DNA position 242, C replaced by T.
Protein change: p.Ala81Val; replaces alanine 81 with valine.
Molecular consequence: missense variant.
Genome position (GRCh38, 1-based): chr16:2,119,352, G>A on the plus strand (C>T on the coding strand, the complement: PKD1 is on the minus strand). VCF-style: chr16-2119352-G-A. GRCh37 (hg19) VCF-style: chr16-2169353-G-A.
Other names: c.242C>T, p.Ala81Val (NM_000296.4); c.242C>T (NM_000296.3); short protein forms A81V.
Identifiers: ClinVar variation 3057995 (VCV003057995.4), dbSNP rs531570028, ClinGen allele CA7833766.
Genomic context (GRCh38, chr16:2,119,352, plus strand): 5'-CTGGGGGACACTCACAGCTCTGCCAGCGCCGAGAGGTTCGCCAGGAGCCCAACGTCCAGC[G>A]CCCGGAGCAGGTTGTGGGAGACGTCTCTGAGGAGTGAGTGGCCGTGGGTCAGGGCCAGAG-3'
Protein context (NP_001009944.3, residues 71-91): ALDVSHNLLR[Ala81Val]LDVGLLANLS